The following is an entry in ClinVar:

ClinVar aggregate classification (germline): Uncertain significance (1 of 4 stars; one submission).

Conditions:
Ovarian dysgenesis 11. Identifiers: MedGen C5935637, MONDO:0971176, OMIM 620897.

gnomAD v4.1: 3 of 1,525,010 alleles (0.0002%); highest among the groups gnomAD compares: Non-Finnish European, 0.00026%; no homozygotes.

Submission:

Clinical Genetics Laboratory, University Hospital Schleswig-Holstein
Classification: Uncertain significance for Ovarian dysgenesis 11. Last evaluated: 2025-12-02. Review status: criteria provided, single submitter. Criteria: ACMG Guidelines, 2015. Collection method: clinical testing. Allele origin: germline. Affected: yes. Observed: 1 heterozygote.
Comment: ACMG criteria applied: PM2, PP3

NM_001171251.3(HROB):c.3+3A>G

Gene: HROB (homologous recombination factor with OB-fold; plus strand). Cytogenetic location: 17q21.31.
Variant type: single nucleotide variant.
Coding change: c.3+3A>G on transcript NM_001171251.3 (MANE Select); 3 bases into the intron after coding-DNA position 3, A replaced by G.
Molecular consequence: intron variant.
Genome position (GRCh38, 1-based): chr17:44,142,148, A>G. VCF-style: chr17-44142148-A-G. GRCh37 (hg19) VCF-style: chr17-42219516-A-G.
Other names: c.3+3A>G (NM_024032.5, NM_001321311.2, NM_001321310.2).
Identifiers: ClinVar variation 4891553 (VCV004891553.1).
Genomic context (GRCh38, chr17:44,142,148, plus strand): 5'-CCCCGGACTCGGGGTGCCGGGCCAACCTCCCCGCCGAGGCCCACCCGCCGTCGCTATGGT[A>G]ATGCCGCGCCCAGCTTGGGGGCTGGCGGGCCGCAGGGCCCCCTGGCCTCCGGAACTGCTC-3'